The following is an entry in ClinVar:

NM_014797.3(ZBTB24):c.911_914del (p.Lys304fs)

Gene: ZBTB24 (zinc finger and BTB domain containing 24; minus strand). Cytogenetic location: 6q21.
Variant type: Deletion.
Coding change: c.911_914del on transcript NM_014797.3 (MANE Select); coding-DNA positions 911 to 914, 4 bases deleted (AGTA; older notation c.911_914delAGTA).
Protein change: p.Lys304fs; shifts the reading frame from lysine 304.
Molecular consequence: frameshift variant.
Genome position (GRCh38, 1-based): chr6:109,481,113-109,481,116, TACT deleted on the plus strand (AGTA on the coding strand, the reverse complement: ZBTB24 is on the minus strand); deleting any 4 consecutive bases within chr6:109,481,113-109,481,118 gives the same sequence; the c. name uses the placement nearest the transcript's 3' end. VCF-style (leftmost placement, unchanged base first): chr6-109481112-GTACT-G. GRCh37 (hg19) VCF-style: chr6-109802315-GTACT-G.
Other names: c.911_914del, p.Lys304fs (NM_001164313.2); short protein forms K304fs.
Identifiers: ClinVar variation 2840471 (VCV002840471.3), dbSNP rs2482880722, ClinGen allele CA2739265928.

ClinVar aggregate classification (germline): Pathogenic (1 of 4 stars; one submission).

Conditions:
Immunodeficiency-centromeric instability-facial anomalies syndrome 2 (ICF2). Identifiers: Orphanet 2268, MedGen C3279748, MONDO:0013553, OMIM 614069.

Submission:

Labcorp Genetics (formerly Invitae), Labcorp
Classification: Pathogenic for Immunodeficiency-centromeric instability-facial anomalies syndrome 2. Last evaluated: 2023-02-24. Review status: criteria provided, single submitter. Criteria: Invitae Variant Classification Sherloc (09022015). Collection method: clinical testing. Allele origin: germline.
Comment: This sequence change creates a premature translational stop signal (p.Lys304Thrfs*5) in the ZBTB24 gene. It is expected to result in an absent or disrupted protein product. Loss-of-function variants in ZBTB24 are known to be pathogenic (PMID: 21596365). For these reasons, this variant has been classified as Pathogenic. This variant has not been reported in the literature in individuals affected with ZBTB24-related conditions. This variant is not present in population databases (gnomAD no frequency).

Literature cited by the submitters: PubMed 21596365.